The following is an entry in ClinVar:

NM_016507.4(CDK12):c.3105C>G (p.His1035Gln)

Gene: CDK12 (cyclin dependent kinase 12; plus strand). Cytogenetic location: 17q12.
Variant type: single nucleotide variant.
Coding change: c.3105C>G on transcript NM_016507.4 (MANE Select); coding-DNA position 3105, C replaced by G.
Protein change: p.His1035Gln; replaces histidine 1035 with glutamine.
Molecular consequence: missense variant.
Genome position (GRCh38, 1-based): chr17:39,524,683, C>G. VCF-style: chr17-39524683-C-G. GRCh37 (hg19) VCF-style: chr17-37680936-C-G.
Other names: c.3105C>G, p.His1035Gln (NM_015083.4); short protein forms H1035Q.
Identifiers: ClinVar variation 3830384 (VCV003830384.1).

ClinVar aggregate classification (germline): Uncertain significance (1 of 4 stars; one submission).

gnomAD v4.1: 5 of 1,614,034 alleles (0.00031%); highest among the groups gnomAD compares: Middle Eastern, 0.017%; no homozygotes.

Submission:

Ambry Genetics
Classification: Uncertain significance. Last evaluated: 2024-12-20. Review status: criteria provided, single submitter. Criteria: Ambry Variant Classification Scheme 2023. Collection method: clinical testing. Allele origin: germline.
Comment: The p.H1035Q variant (also known as c.3105C>G), located in coding exon 12 of the CDK12 gene, results from a C to G substitution at nucleotide position 3105. The histidine at codon 1035 is replaced by glutamine, an amino acid with highly similar properties. This amino acid position is conserved. In addition, this alteration is predicted to be tolerated by in silico analysis. Based on the available evidence, the clinical significance of this variant remains unclear.